The following is an entry in ClinVar:

ClinVar aggregate classification (germline): Uncertain significance. Review status: criteria provided, multiple submitters, no conflicts (2 of 4 stars). 2 submissions from 2 submitters: Uncertain significance (2). Last evaluated 2024-01-01.

Conditions:
Cardiovascular phenotype. Identifiers: MedGen CN230736.
Dilated cardiomyopathy 1KK (CMD1KK). Identifiers: Orphanet 154, Orphanet 75249, MedGen C3714995, MONDO:0014100, OMIM 615248.

Allele frequency attached by ClinVar (database versions not stated): gnomAD 0.00001; gnomAD exomes 0.00001; ExAC 0.00002.
gnomAD v4.1: 13 of 1,613,720 alleles (0.00081%); highest among the groups gnomAD compares: African/African-American, 0.0013%; no homozygotes.

Submissions (2):

Ambry Genetics
Classification: Uncertain significance for Cardiovascular phenotype. Last evaluated: 2024-01-01. Review status: criteria provided, single submitter. Criteria: Ambry Variant Classification Scheme 2023. Collection method: clinical testing. Allele origin: germline.
Comment: The p.R276Q variant (also known as c.827G>A), located in coding exon 1 of the MYPN gene, results from a G to A substitution at nucleotide position 827. The arginine at codon 276 is replaced by glutamine, an amino acid with highly similar properties. This amino acid position is not well conserved in available vertebrate species. In addition, this alteration is predicted to be tolerated by in silico analysis. Since supporting evidence is limited at this time, the clinical significance of this alteration remains unclear.

Labcorp Genetics (formerly Invitae), Labcorp
Classification: Uncertain significance for Dilated cardiomyopathy 1KK. Last evaluated: 2022-08-31. Review status: criteria provided, single submitter. Criteria: Invitae Variant Classification Sherloc (09022015). Collection method: clinical testing. Allele origin: germline.
Comment: In summary, the available evidence is currently insufficient to determine the role of this variant in disease. Therefore, it has been classified as a Variant of Uncertain Significance. Algorithms developed to predict the effect of missense changes on protein structure and function (SIFT, PolyPhen-2, Align-GVGD) all suggest that this variant is likely to be tolerated. ClinVar contains an entry for this variant (Variation ID: 1447374). This variant has not been reported in the literature in individuals affected with MYPN-related conditions. This variant is present in population databases (rs771703762, gnomAD 0.007%). This sequence change replaces arginine, which is basic and polar, with glutamine, which is neutral and polar, at codon 276 of the MYPN protein (p.Arg276Gln).

NM_032578.4(MYPN):c.827G>A (p.Arg276Gln)

Gene: MYPN (myopalladin; plus strand). Cytogenetic location: 10q21.3.
Variant type: single nucleotide variant.
Coding change: c.827G>A on transcript NM_032578.4 (MANE Select); coding-DNA position 827, G replaced by A.
Protein change: p.Arg276Gln; replaces arginine 276 with glutamine.
Molecular consequence: missense variant. On other transcripts: 5 prime UTR variant (1), non-coding transcript variant (1).
Genome position (GRCh38, 1-based): chr10:68,122,265, G>A. VCF-style: chr10-68122265-G-A. GRCh37 (hg19) VCF-style: chr10-69882022-G-A.
Other names: c.827G>A, p.Arg276Gln (NM_001256267.2); c.-296G>A (NM_001256268.2); short protein forms R276Q.
Identifiers: ClinVar variation 1447374 (VCV001447374.8), dbSNP rs771703762, ClinGen allele CA5522342.